The following is an entry in ClinVar:

NM_021939.4(FKBP10):c.728-1G>A

Gene: FKBP10 (FKBP prolyl isomerase 10; plus strand). Cytogenetic location: 17q21.2.
Variant type: single nucleotide variant.
Coding change: c.728-1G>A on transcript NM_021939.4 (MANE Select); the canonical splice acceptor site of the intron before coding-DNA position 728, G replaced by A.
Molecular consequence: splice acceptor variant.
Genome position (GRCh38, 1-based): chr17:41,819,209, G>A. VCF-style: chr17-41819209-G-A. GRCh37 (hg19) VCF-style: chr17-39975461-G-A.
Identifiers: ClinVar variation 1511381 (VCV001511381.6), dbSNP rs373404630, ClinGen allele CA399516023.

ClinVar aggregate classification (germline): Likely pathogenic (1 of 4 stars; one submission).

Submission:

Labcorp Genetics (formerly Invitae), Labcorp
Classification: Likely pathogenic. Last evaluated: 2021-08-12. Review status: criteria provided, single submitter. Criteria: Invitae Variant Classification Sherloc (09022015). Collection method: clinical testing. Allele origin: germline.
Comment: This sequence change affects an acceptor splice site in intron 4 of the FKBP10 gene. It is expected to disrupt RNA splicing. Variants that disrupt the donor or acceptor splice site typically lead to a loss of protein function (PMID: 16199547), and loss-of-function variants in FKBP10 are known to be pathogenic (PMID: 22689593, 22949511). This variant is not present in population databases (ExAC no frequency). This variant has not been reported in the literature in individuals affected with FKBP10-related conditions. Algorithms developed to predict the effect of sequence changes on RNA splicing suggest that this variant may disrupt the consensus splice site. In summary, the currently available evidence indicates that the variant is pathogenic, but additional data are needed to prove that conclusively. Therefore, this variant has been classified as Likely Pathogenic.

Literature cited by the submitters: PubMed 16199547; PubMed 22689593; PubMed 22949511.